The following is an entry in ClinVar:

ClinVar aggregate classification (germline): Uncertain significance. Review status: criteria provided, multiple submitters, no conflicts (2 of 4 stars). 2 submissions from 2 submitters: Uncertain significance (2). Last evaluated 2025-02-10.

gnomAD v4.1: 8 of 1,613,100 alleles (0.0005%); highest among the groups gnomAD compares: Admixed American, 0.013%; no homozygotes.

Submissions (2):

GeneDx
Classification: Uncertain significance. Last evaluated: 2025-02-10. Review status: criteria provided, single submitter. Criteria: GeneDx Variant Classification Process June 2021. Collection method: clinical testing. Allele origin: germline. Affected: yes.
Comment: In silico analysis indicates that this missense variant does not alter protein structure/function; Has not been previously published as pathogenic or benign to our knowledge

Labcorp Genetics (formerly Invitae), Labcorp
Classification: Uncertain significance. Last evaluated: 2022-03-20. Review status: criteria provided, single submitter. Criteria: Invitae Variant Classification Sherloc (09022015). Collection method: clinical testing. Allele origin: germline.
Comment: This sequence change replaces valine, which is neutral and non-polar, with glycine, which is neutral and non-polar, at codon 55 of the RIN2 protein (p.Val55Gly). This variant is present in population databases (rs375505886, gnomAD 0.02%). This variant has not been reported in the literature in individuals affected with RIN2-related conditions. Algorithms developed to predict the effect of missense changes on protein structure and function are either unavailable or do not agree on the potential impact of this missense change (SIFT: "Tolerated"; PolyPhen-2: "Not Available"; Align-GVGD: "Class C0"). In summary, the available evidence is currently insufficient to determine the role of this variant in disease. Therefore, it has been classified as a Variant of Uncertain Significance.

NM_018993.4(RIN2):c.164T>G (p.Val55Gly)

Gene: RIN2 (Ras and Rab interactor 2; plus strand). Cytogenetic location: 20p11.23.
Variant type: single nucleotide variant.
Coding change: c.164T>G on transcript NM_018993.4 (MANE Select); coding-DNA position 164, T replaced by G.
Protein change: p.Val55Gly; replaces valine 55 with glycine.
Molecular consequence: missense variant. On other transcripts: 5 prime UTR variant (1).
Genome position (GRCh38, 1-based): chr20:19,956,620, T>G. VCF-style: chr20-19956620-T-G. GRCh37 (hg19) VCF-style: chr20-19937264-T-G.
Other names: c.311T>G, p.Val104Gly (NM_001242581.2); c.-382T>G (NM_001378238.1); c.164T>G (NM_018993.3); short protein forms V104G, V55G.
Identifiers: ClinVar variation 2086081 (VCV002086081.2), dbSNP rs375505886, ClinGen allele CA9779753.